The following is an entry in ClinVar:

ClinVar aggregate classification (germline): Uncertain significance. Review status: criteria provided, multiple submitters, no conflicts (2 of 4 stars). 2 submissions from 2 submitters: Uncertain significance (2). Last evaluated 2025-01-30.

Conditions:
Familial focal epilepsy with variable foci (FPEVF). Identifiers: Orphanet 98820, MedGen C1858477, MONDO:0020310.

gnomAD v4.1: 1 of 1,601,680 alleles (0.000062%); highest among the groups gnomAD compares: Non-Finnish European, 0.000085%; no homozygotes.

Submissions (2):

GeneDx
Classification: Uncertain significance. Last evaluated: 2025-01-30. Review status: criteria provided, single submitter. Criteria: GeneDx Variant Classification Process June 2021. Collection method: clinical testing. Allele origin: germline. Affected: yes.
Comment: Not observed at significant frequency in large population cohorts (gnomAD); In silico analysis supports that this missense variant has a deleterious effect on protein structure/function; Has not been previously published as pathogenic or benign to our knowledge

Labcorp Genetics (formerly Invitae), Labcorp
Classification: Uncertain significance for Familial focal epilepsy with variable foci. Last evaluated: 2019-10-18. Review status: criteria provided, single submitter. Criteria: Invitae Variant Classification Sherloc (09022015). Collection method: clinical testing. Allele origin: germline.
Comment: In summary, the available evidence is currently insufficient to determine the role of this variant in disease. Therefore, it has been classified as a Variant of Uncertain Significance. Algorithms developed to predict the effect of missense changes on protein structure and function are either unavailable or do not agree on the potential impact of this missense change (SIFT: "Deleterious"; PolyPhen-2: "Not Available"; Align-GVGD: "Class C0"). This variant has not been reported in the literature in individuals with DEPDC5-related conditions. This variant is not present in population databases (ExAC no frequency). This sequence change replaces isoleucine with methionine at codon 358 of the DEPDC5 protein (p.Ile358Met). The isoleucine residue is highly conserved and there is a small physicochemical difference between isoleucine and methionine.

NM_001242896.3(DEPDC5):c.1074A>G (p.Ile358Met)

Gene: DEPDC5 (DEP domain containing 5, GATOR1 subcomplex subunit; plus strand). Cytogenetic location: 22q12.3.
Variant type: single nucleotide variant.
Coding change: c.1074A>G on transcript NM_001242896.3 (MANE Select); coding-DNA position 1074, A replaced by G.
Protein change: p.Ile358Met; replaces isoleucine 358 with methionine.
Molecular consequence: missense variant. On other transcripts: non-coding transcript variant (5).
Genome position (GRCh38, 1-based): chr22:31,802,831, A>G. VCF-style: chr22-31802831-A-G. GRCh37 (hg19) VCF-style: chr22-32198817-A-G.
Other names: c.1074A>G, p.Ile358Met (NM_001007188.4, NM_001136029.4, NM_001242897.2 and 7 more transcripts); c.990A>G, p.Ile330Met (NM_001369901.1, NM_001369902.1); short protein forms I358M, I330M.
Identifiers: ClinVar variation 959954 (VCV000959954.10), dbSNP rs1161069560, ClinGen allele CA411293000.
Genomic context (GRCh38, chr22:31,802,831, plus strand): 5'-CGGGGTGGGTGTCTTTGAAGTGGACCGCCTACTCATGATCCTGACCAAGCAGCGGATGAT[A>G]GATAATGGTAATGCTCTCTGGTTTGTGCCCTGTCTCCACATGTTCCTAGCCTGATTTCCC-3'
Protein context (NP_001229825.1, residues 348-368): LLMILTKQRM[Ile358Met]DNGIGVDLVC